The following is an entry in ClinVar:

ClinVar aggregate classification (germline): Benign. Review status: criteria provided, multiple submitters, no conflicts (2 of 4 stars). 2 submissions from 2 submitters: Benign (2). Last evaluated 2018-06-14.

Allele frequency attached by ClinVar (database versions not stated): gnomAD 0.38130 and 0.39268; TOPMed 0.39478; gnomAD exomes 0.39721; 1000 Genomes Project 30x 0.50141; 1000 Genomes Project 0.50799.
gnomAD v4.1: 504,975 of 1,270,612 alleles (40%); highest among the groups gnomAD compares: East Asian, 87%; 108,093 homozygotes.

Submissions (2):

GeneDx
Classification: Benign. Last evaluated: 2018-06-14. Review status: criteria provided, single submitter. Criteria: GeneDx Variant Classification (06012015). Collection method: clinical testing. Allele origin: germline. Affected: yes.
Comment: This variant is considered likely benign or benign based on one or more of the following criteria: it is a conservative change, it occurs at a poorly conserved position in the protein, it is predicted to be benign by multiple in silico algorithms, and/or has population frequency not consistent with disease.

Breakthrough Genomics
Classification: Benign. Review status: criteria provided, single submitter. Criteria: ACMG Guidelines, 2015. Collection method: not provided. Allele origin: germline. Inheritance: Autosomal recessive inheritance. Affected: yes.

NM_006440.5(TXNRD2):c.529-97G>A

Gene: TXNRD2 (thioredoxin reductase 2; minus strand). Cytogenetic location: 22q11.21.
Variant type: single nucleotide variant.
Coding change: c.529-97G>A on transcript NM_006440.5 (MANE Select); 97 bases into the intron before coding-DNA position 529, G replaced by A.
Molecular consequence: intron variant.
Genome position (GRCh38, 1-based): chr22:19,915,373, C>T on the plus strand (G>A on the coding strand, the complement: TXNRD2 is on the minus strand). VCF-style: chr22-19915373-C-T. GRCh37 (hg19) VCF-style: chr22-19902896-C-T.
Other names: c.526-97G>A (NM_001352300.2); c.241-97G>A (NM_001352302.2); c.439-97G>A (NM_001352301.2); c.529-97G>A (NM_001282512.3); c.433-97G>A (NM_001352303.2).
Identifiers: ClinVar variation 678639 (VCV000678639.2), dbSNP rs2073771, ClinGen allele CA14920361.